The following is an entry in ClinVar:

ClinVar aggregate classification (germline): Uncertain significance (1 of 4 stars; one submission).

Allele frequency attached by ClinVar (database versions not stated): gnomAD 0.00001.
gnomAD v4.1: 2 of 1,614,096 alleles (0.00012%); highest among the groups gnomAD compares: African/African-American, 0.0027%; no homozygotes.

Submission:

GeneDx
Classification: Uncertain significance. Last evaluated: 2020-12-07. Review status: criteria provided, single submitter. Criteria: GeneDx Variant Classification Process June 2021. Collection method: clinical testing. Allele origin: germline. Affected: yes.
Comment: Not observed in large population cohorts (Lek et al., 2016); In silico analysis, which includes protein predictors and evolutionary conservation, supports a deleterious effect; Has not been previously published as pathogenic or benign to our knowledge; Variants in candidate genes are classified as variants of uncertain significance in accordance with ACMG guidelines (Richards et al., 2015)

NM_003128.3(SPTBN1):c.5405C>A (p.Ala1802Asp)

Gene: SPTBN1 (spectrin beta, non-erythrocytic 1; plus strand). Cytogenetic location: 2p16.2.
Variant type: single nucleotide variant.
Coding change: c.5405C>A on transcript NM_003128.3 (MANE Select); coding-DNA position 5405, C replaced by A.
Protein change: p.Ala1802Asp; replaces alanine 1802 with aspartic acid.
Molecular consequence: missense variant.
Genome position (GRCh38, 1-based): chr2:54,649,817, C>A. VCF-style: chr2-54649817-C-A. GRCh37 (hg19) VCF-style: chr2-54876954-C-A.
Other names: c.5366C>A, p.Ala1789Asp (NM_178313.3); short protein forms A1789D, A1802D.
Identifiers: ClinVar variation 1320502 (VCV001320502.2), dbSNP rs776624596, ClinGen allele CA346907940.